The following is an entry in ClinVar:

NM_001303256.3(MORC2):c.2747G>A (p.Arg916Gln)

Gene: MORC2 (MORC family CW-type zinc finger 2; minus strand). Cytogenetic location: 22q12.2.
Variant type: single nucleotide variant.
Coding change: c.2747G>A on transcript NM_001303256.3 (MANE Select); coding-DNA position 2747, G replaced by A.
Protein change: p.Arg916Gln; replaces arginine 916 with glutamine.
Molecular consequence: missense variant.
Genome position (GRCh38, 1-based): chr22:30,932,545, C>T on the plus strand (G>A on the coding strand, the complement: MORC2 is on the minus strand). VCF-style: chr22-30932545-C-T. GRCh37 (hg19) VCF-style: chr22-31328532-C-T.
Other names: c.2747G>A, p.Arg916Gln (NM_001303257.2); c.2561G>A, p.Arg854Gln (NM_014941.3); short protein forms R854Q, R916Q.
Identifiers: ClinVar variation 2827342 (VCV002827342.3), dbSNP rs974685925, ClinGen allele CA323269463.
Genomic context (GRCh38, chr22:30,932,545, plus strand): 5'-CATGGAGCAGGCAGAGAGCTGCTGCTGGCCCTGGGGTGGGAAGACAAAAGACACATGTAC[C>T]GGAGGATCTGGACAAGCAGGTCGATGGTCTCGTGATTGGTGCTCAGGGCAGTGGTGTCAG-3'
Protein context (NP_001290185.1, residues 906-926): ETIDLLVQIL[Arg916Gln]NCLRYFLPPS

ClinVar aggregate classification (germline): Uncertain significance (1 of 4 stars; one submission).

Conditions:
Charcot-Marie-Tooth disease axonal type 2Z. Also called: CHARCOT-MARIE-TOOTH DISEASE, AXONAL, AUTOSOMAL DOMINANT, TYPE 2Z; CHARCOT-MARIE-TOOTH NEUROPATHY, TYPE 2Z. Identifiers: Orphanet 466768, MedGen C5569025, MONDO:0014736, OMIM 616688.

Allele frequency attached by ClinVar (database versions not stated): TOPMed 0.00001.
gnomAD v4.1: 4 of 1,614,024 alleles (0.00025%); highest among the groups gnomAD compares: Non-Finnish European, 0.00034%; no homozygotes.

Submission:

Labcorp Genetics (formerly Invitae), Labcorp
Classification: Uncertain significance for Charcot-Marie-Tooth disease axonal type 2Z. Last evaluated: 2024-01-28. Review status: criteria provided, single submitter. Criteria: Invitae Variant Classification Sherloc (09022015). Collection method: clinical testing. Allele origin: germline.
Comment: This sequence change affects codon 916 of the MORC2 mRNA. It is a 'silent' change, meaning that it does not change the encoded amino acid sequence of the MORC2 protein. This variant also falls at the last nucleotide of exon 23, which is part of the consensus splice site for this exon. This variant is not present in population databases (gnomAD no frequency). This variant has not been reported in the literature in individuals affected with MORC2-related conditions. An algorithm developed to predict the effect of missense changes on protein structure and function (PolyPhen-2) suggests that this variant is likely to be tolerated. Variants that disrupt the consensus splice site are a relatively common cause of aberrant splicing (PMID: 17576681, 9536098). Algorithms developed to predict the effect of sequence changes on RNA splicing suggest that this variant may disrupt the consensus splice site. In summary, the available evidence is currently insufficient to determine the role of this variant in disease. Therefore, it has been classified as a Variant of Uncertain Significance.

Literature cited by the submitters: PubMed 17576681; PubMed 9536098.